The following is an entry in ClinVar:

NM_001323289.2(CDKL5):c.818T>C (p.Leu273Pro)

Gene: CDKL5 (cyclin dependent kinase like 5; plus strand). Cytogenetic location: Xp22.13.
Variant type: single nucleotide variant.
Coding change: c.818T>C on transcript NM_001323289.2 (MANE Select); coding-DNA position 818, T replaced by C.
Protein change: p.Leu273Pro; replaces leucine 273 with proline.
Molecular consequence: missense variant.
Genome position (GRCh38, 1-based): chrX:18,595,421, T>C. VCF-style: chrX-18595421-T-C. GRCh37 (hg19) VCF-style: chrX-18613541-T-C.
Other names: c.818T>C, p.Leu273Pro (NM_001037343.2, NM_003159.3); short protein forms L273P.
Identifiers: ClinVar variation 560970 (VCV000560970.2), dbSNP rs1569217205, ClinGen allele CA412355083.

ClinVar aggregate classification (germline): Uncertain significance (1 of 4 stars; one submission).

Conditions:
Developmental and epileptic encephalopathy, 2 (DEE2). Also called: INFANTILE SPASM SYNDROME, X-LINKED 2; CDKL5 deficiency disorder. Identifiers: Orphanet 1934, Orphanet 3451, Orphanet 505652, MedGen C4750718, MONDO:0010396, OMIM 300672.

Submission:

Baylor Genetics
Classification: Uncertain significance for Developmental and epileptic encephalopathy, 2. Last evaluated: 2017-09-01. Review status: criteria provided, single submitter. Criteria: ACMG Guidelines, 2015. Collection method: clinical testing. Allele origin: de novo. Inheritance: X-linked inheritance. Affected: yes.

Literature cited by the submitters: PubMed 25326635.